The following is an entry in ClinVar:

NM_000257.4(MYH7):c.3972G>A (p.Lys1324=)

Gene: MYH7 (myosin heavy chain 7; minus strand). Cytogenetic location: 14q11.2.
Variant type: single nucleotide variant.
Coding change: c.3972G>A on transcript NM_000257.4 (MANE Select); coding-DNA position 3972, G replaced by A.
Protein change: p.Lys1324=; no amino-acid change (lysine 1324 retained).
Molecular consequence: synonymous variant.
Genome position (GRCh38, 1-based): chr14:23,419,177, C>T on the plus strand (G>A on the coding strand, the complement: MYH7 is on the minus strand). VCF-style: chr14-23419177-C-T. GRCh37 (hg19) VCF-style: chr14-23888386-C-T.
Other names: c.3972G>A, p.Lys1324= (NM_001407004.1).
Identifiers: ClinVar variation 3721636 (VCV003721636.2).
Genomic context (GRCh38, chr14:23,419,177, plus strand): 5'-GATGCAAGGCTAGTCAGTGTGCTCCTTGCTTGGGCCAGGTGGCCCGAGTCTAGCCCTTAC[C>T]TTAACCTCCTCCTCCAGCTGCCTCTTGAGGTCCTCCAGCTGCTGGGTGTAGGTGAGCTTG-3'
Protein context (NP_000248.2, residues 1314-1334): DLKRQLEEEV[Lys1324=]AKNALAHALQ

ClinVar aggregate classification (germline): Uncertain significance (1 of 4 stars; one submission).

Conditions:
Hypertrophic cardiomyopathy. Also called: HYPERTROPHIC MYOCARDIOPATHY. Identifiers: Orphanet 217569, MedGen C0007194, MeSH D002312, MONDO:0005045, HP:0001639.

gnomAD v4.1: 3 of 1,614,100 alleles (0.00019%); highest among the groups gnomAD compares: Non-Finnish European, 0.00025%; no homozygotes.

Submission:

Labcorp Genetics (formerly Invitae), Labcorp
Classification: Uncertain significance for Hypertrophic cardiomyopathy. Last evaluated: 2024-10-11. Review status: criteria provided, single submitter. Criteria: Invitae Variant Classification Sherloc (09022015). Collection method: clinical testing. Allele origin: germline.
Comment: This sequence change affects codon 1324 of the MYH7 mRNA. It is a 'silent' change, meaning that it does not change the encoded amino acid sequence of the MYH7 protein. This variant also falls at the last nucleotide of exon 29, which is part of the consensus splice site for this exon. This variant is present in population databases (rs749775509, gnomAD 0.0009%). This variant has not been reported in the literature in individuals affected with MYH7-related conditions. Variants that disrupt the consensus splice site are a relatively common cause of aberrant splicing (PMID: 17576681, 9536098). Algorithms developed to predict the effect of sequence changes on RNA splicing suggest that this variant is not likely to affect RNA splicing. In summary, the available evidence is currently insufficient to determine the role of this variant in disease. Therefore, it has been classified as a Variant of Uncertain Significance.

Literature cited by the submitters: PubMed 17576681; PubMed 9536098.